The following is an entry in ClinVar:

ClinVar aggregate classification (germline): Uncertain significance (1 of 4 stars; one submission).

Conditions:
Noonan syndrome 9 (NS9). Identifiers: Orphanet 648, MedGen C4225282, MONDO:0014691, OMIM 616559.

Allele frequency attached by ClinVar (database versions not stated): gnomAD exomes 0.00001.

Submission:

Labcorp Genetics (formerly Invitae), Labcorp
Classification: Uncertain significance for Noonan syndrome 9. Last evaluated: 2025-10-03. Review status: criteria provided, single submitter. Criteria: Invitae Variant Classification Sherloc (09022015). Collection method: clinical testing. Allele origin: germline.
Comment: This sequence change falls in intron 22 of the SOS2 gene. It does not directly change the encoded amino acid sequence of the SOS2 protein. It affects a nucleotide within the consensus splice site. This variant is not present in population databases (gnomAD no frequency). This variant has not been reported in the literature in individuals affected with SOS2-related conditions. ClinVar contains an entry for this variant (Variation ID: 1446447). Variants that disrupt the consensus splice site are a relatively common cause of aberrant splicing (PMID: 17576681, 9536098). Algorithms developed to predict the effect of sequence changes on RNA splicing suggest that this variant may create or strengthen a splice site. In summary, the available evidence is currently insufficient to determine the role of this variant in disease. Therefore, it has been classified as a Variant of Uncertain Significance.

Literature cited by the submitters: PubMed 17576681; PubMed 9536098.

NM_006939.4(SOS2):c.3490-2dup

Gene: SOS2 (SOS Ras/Rho guanine nucleotide exchange factor 2; minus strand). Cytogenetic location: 14q21.3.
Variant type: Duplication.
Coding change: c.3490-2dup on transcript NM_006939.4 (MANE Select); the canonical splice acceptor site of the intron before coding-DNA position 3490, one base duplicated (A; older notation c.3490-2dupA).
Molecular consequence: splice acceptor variant.
Genome position (GRCh38, 1-based): chr14:50,118,855, T duplicated on the plus strand (A on the coding strand, the reverse complement: SOS2 is on the minus strand). VCF-style (leftmost placement, unchanged base first): chr14-50118854-C-CT. GRCh37 (hg19) VCF-style: chr14-50585572-C-CT.
Other names: c.3391-2dup (NM_001411020.1).
Identifiers: ClinVar variation 1446447 (VCV001446447.6), dbSNP rs2139465845, ClinGen allele CA2573149970.
Genomic context (GRCh38, chr14:50,118,854, plus strand): 5'-TGGAGGAGGAGGCTGTCTCGGTGGAATAGCAGGAGGATCATCATCAGATTTCATATTTCC[C>CT]TCAAAAAAAAAAGTAATTAAATTATACCTCTATTCTGAAAAATTAAAAAAAAAAATTTTT-3'